The following is an entry in ClinVar:

NM_031844.3(HNRNPU):c.316_322del (p.Leu106fs)

Gene: HNRNPU (heterogeneous nuclear ribonucleoprotein U; minus strand). Cytogenetic location: 1q44.
Variant type: Deletion.
Coding change: c.316_322del on transcript NM_031844.3 (MANE Select); coding-DNA positions 316 to 322, 7 bases deleted (CTAGGAG; older notation c.316_322delCTAGGAG).
Protein change: p.Leu106fs; shifts the reading frame from leucine 106.
Molecular consequence: frameshift variant.
Genome position (GRCh38, 1-based): chr1:244,863,986-244,863,992, CTCCTAG deleted on the plus strand (CTAGGAG on the coding strand, the reverse complement: HNRNPU is on the minus strand); deleting any 7 consecutive bases within chr1:244,863,986-244,863,996 gives the same sequence; the c. name uses the placement nearest the transcript's 3' end. VCF-style (leftmost placement, unchanged base first): chr1-244863985-TCTCCTAG-T. GRCh37 (hg19) VCF-style: chr1-245027287-TCTCCTAG-T.
Other names: c.316_322del, p.Leu106fs (NM_004501.3); short protein forms L106fs.
Identifiers: ClinVar variation 451994 (VCV000451994.2), dbSNP rs1553283946, ClinGen allele CA658657006.

ClinVar aggregate classification (germline): Pathogenic (1 of 4 stars; one submission).

Submission:

GeneDx
Classification: Pathogenic. Last evaluated: 2017-09-07. Review status: criteria provided, single submitter. Criteria: GeneDx Variant Classification (06012015). Collection method: clinical testing. Allele origin: germline. Affected: yes.
Comment: The c.316_322delCTAGGAG variant in the HNRNPU gene has not been reported previously as a pathogenic variant nor as a benign variant, to our knowledge. The c.316_322delCTAGGAG variant causes a frameshift starting with codon Leucine 106, changes this amino acid to an Arginine residue, and creates a premature Stop codon at position 89 of the new reading frame, denoted p.Leu106ArgfsX89. This variant is predicted to cause loss of normal protein function either through protein truncation or nonsense-mediated mRNA decay. The c.316_322delCTAGGAG variant is not observed in large population cohorts (Lek et al., 2016; 1000 Genomes Consortium et al., 2015; Exome Variant Server). We interpret c.316_322delCTAGGAG as a pathogenic variant.